The following is an entry in ClinVar:

NM_153603.4(COG7):c.1522C>T (p.Arg508Trp)

Gene: COG7 (component of oligomeric golgi complex 7; minus strand). Cytogenetic location: 16p12.2.
Variant type: single nucleotide variant.
Coding change: c.1522C>T on transcript NM_153603.4 (MANE Select); coding-DNA position 1522, C replaced by T.
Protein change: p.Arg508Trp; replaces arginine 508 with tryptophan.
Molecular consequence: missense variant.
Genome position (GRCh38, 1-based): chr16:23,406,216, G>A on the plus strand (C>T on the coding strand, the complement: COG7 is on the minus strand). VCF-style: chr16-23406216-G-A. GRCh37 (hg19) VCF-style: chr16-23417537-G-A.
Other names: short protein forms R508W.
Identifiers: ClinVar variation 2907791 (VCV002907791.3), dbSNP rs140305461, ClinGen allele CA7960940.

ClinVar aggregate classification (germline): Uncertain significance (1 of 4 stars; one submission).

Conditions:
COG7 congenital disorder of glycosylation (CDG2E). Also called: CONGENITAL DISORDER OF GLYCOSYLATION, TYPE IIe; CDG IIe. Identifiers: Orphanet 79333, MedGen C2931010, MONDO:0012118, OMIM 608779.

Allele frequency attached by ClinVar (database versions not stated): gnomAD 0.00001; ExAC 0.00002; gnomAD exomes 0.00003; TOPMed 0.00003; ESP Exome Variant Server 0.00008.
gnomAD v4.1: 42 of 1,613,792 alleles (0.0026%); highest among the groups gnomAD compares: East Asian, 0.0089%; no homozygotes.

Submission:

Labcorp Genetics (formerly Invitae), Labcorp
Classification: Uncertain significance for COG7 congenital disorder of glycosylation. Last evaluated: 2023-08-04. Review status: criteria provided, single submitter. Criteria: Invitae Variant Classification Sherloc (09022015). Collection method: clinical testing. Allele origin: germline.
Comment: This sequence change replaces arginine, which is basic and polar, with tryptophan, which is neutral and slightly polar, at codon 508 of the COG7 protein (p.Arg508Trp). This variant is present in population databases (rs140305461, gnomAD 0.007%). This variant has not been reported in the literature in individuals affected with COG7-related conditions. Advanced modeling of protein sequence and biophysical properties (such as structural, functional, and spatial information, amino acid conservation, physicochemical variation, residue mobility, and thermodynamic stability) performed at Invitae indicates that this missense variant is expected to disrupt COG7 protein function. In summary, the available evidence is currently insufficient to determine the role of this variant in disease. Therefore, it has been classified as a Variant of Uncertain Significance.